The following is an entry in ClinVar:

NM_005045.4(RELN):c.10276G>A (p.Val3426Ile)

Genes: RELN (reelin; minus strand), SLC26A5-AS1 (SLC26A5 antisense RNA 1; plus strand). Cytogenetic location: 7q22.1.
Variant type: single nucleotide variant.
Coding change: c.10276G>A on transcript NM_005045.4 (MANE Select); coding-DNA position 10276, G replaced by A.
Protein change: p.Val3426Ile; replaces valine 3426 with isoleucine.
Molecular consequence: missense variant.
Genome position (GRCh38, 1-based): chr7:103,482,877, C>T on the plus strand (G>A on the coding strand, the complement: RELN is on the minus strand). VCF-style: chr7-103482877-C-T. GRCh37 (hg19) VCF-style: chr7-103123324-C-T.
Other names: c.10276G>A, p.Val3426Ile (NM_173054.3); short protein forms V3426I.
Identifiers: ClinVar variation 475947 (VCV000475947.15), dbSNP rs188371196, ClinGen allele CA4420004.
Genomic context (GRCh38, chr7:103,482,877, plus strand): 5'-AAGGAATTTCAAACCTTCCTGAAATGGACATGGGATGCCATGTAATAGATACTCACAGGA[C>T]GACCTCCACATGGTCCAAAGCCCATTGATCATGACCTGTTCCATTGTGGCGTGGTTGCCA-3'
Protein context (NP_005036.2, residues 3416-3436): DQWALDHVEV[Val3426Ile]LVSTRKQNYM

ClinVar aggregate classification (germline): Conflicting classifications of pathogenicity. Review status: criteria provided, conflicting classifications (1 of 4 stars). 4 submissions from 4 submitters: Uncertain significance (3); Likely benign (1). Last evaluated 2025-11-27.

Conditions:
Inborn genetic diseases. Identifiers: MedGen C0950123, MeSH D030342.
Familial temporal lobe epilepsy 7. Identifiers: Orphanet 101046, MedGen C4225327, MONDO:0014639, OMIM 616436.
Norman-Roberts syndrome (LIS2). Also called: Lissencephaly 2 (Norman-Roberts type). Identifiers: Orphanet 89844, MedGen C0796089, MONDO:0009760, OMIM 257320.

Allele frequency attached by ClinVar (database versions not stated): TOPMed 0.00005; 1000 Genomes Project 30x 0.00016; gnomAD 0.00017; 1000 Genomes Project 0.00020.
gnomAD v4.1: 306 of 1,614,102 alleles (0.019%); highest among the groups gnomAD compares: Non-Finnish European, 0.014%; no homozygotes.

Submissions (4):

Labcorp Genetics (formerly Invitae), Labcorp
Classification: Likely benign for Familial temporal lobe epilepsy 7; Norman-Roberts syndrome. Last evaluated: 2025-11-27. Review status: criteria provided, single submitter. Criteria: Invitae Variant Classification Sherloc (09022015). Collection method: clinical testing. Allele origin: germline.

Ambry Genetics
Classification: Uncertain significance for Inborn genetic diseases. Last evaluated: 2025-07-10. Review status: criteria provided, single submitter. Criteria: Ambry Variant Classification Scheme 2023. Collection method: clinical testing. Allele origin: germline.
Comment: Unlikely to be causative of RELN-related lateral temporal epilepsy (AD). Based on insufficient or conflicting evidence, the clinical significance of this alteration remains unclear.

Women's Health and Genetics/Laboratory Corporation of America, LabCorp
Classification: Uncertain significance. Last evaluated: 2025-05-09. Review status: criteria provided, single submitter. Criteria: LabCorp Variant Classification Summary - May 2015. Collection method: clinical testing. Allele origin: germline.
Comment: Variant summary: RELN c.10276G>A (p.Val3426Ile) results in a conservative amino acid change in the encoded protein sequence. Algorithms developed to predict the effect of missense changes on protein structure and function are either unavailable or do not agree on the potential impact of this missense change. The variant allele was found at a frequency of 0.0003 in 251254 control chromosomes. This frequency is not significantly higher than estimated for a pathogenic variant in RELN causing Epilepsy Familial Temporal Lobe 7, allowing no conclusion about variant significance. c.10276G>A has been observed in individual(s) affected with Epilepsy (Zhang_2015). These data do not allow any conclusion about variant significance. To our knowledge, no experimental evidence demonstrating an impact on protein function has been reported. The following publication have been ascertained in the context of this evaluation (PMID: 26544041). ClinVar contains an entry for this variant (Variation ID: 475947). Based on the evidence outlined above, the variant was classified as uncertain significance.

Blueprint Genetics
Classification: Uncertain significance. Last evaluated: 2024-06-07. Review status: criteria provided, single submitter. Criteria: ACMG Guidelines, 2015. Collection method: clinical testing. Allele origin: germline.

Literature cited by the submitters: PubMed 26544041 (cited by Women's Health and Genetics/Laboratory Corporation of America, LabCorp).